The following is an entry in ClinVar:

NM_001127222.2(CACNA1A):c.3701G>C (p.Arg1234Pro)

Gene: CACNA1A (calcium voltage-gated channel subunit alpha1 A; minus strand). Cytogenetic location: 19p13.13.
Variant type: single nucleotide variant.
Coding change: c.3701G>C on transcript NM_001127222.2 (MANE Select); coding-DNA position 3701, G replaced by C.
Protein change: p.Arg1234Pro; replaces arginine 1234 with proline.
Molecular consequence: missense variant.
Genome position (GRCh38, 1-based): chr19:13,283,388, C>G on the plus strand (G>C on the coding strand, the complement: CACNA1A is on the minus strand). VCF-style: chr19-13283388-C-G. GRCh37 (hg19) VCF-style: chr19-13394202-C-G.
Other names: c.3713G>C, p.Arg1238Pro (NM_000068.4, NM_023035.3); c.3704G>C, p.Arg1235Pro (NM_001127221.2, NM_001174080.2); short protein forms R1234P, R1235P, R1238P.
Identifiers: ClinVar variation 651272 (VCV000651272.9), dbSNP rs373183625, ClinGen allele CA404340794.
Genomic context (GRCh38, chr19:13,283,388, plus strand): 5'-GCAATGACCATGAGGATGCACATCTCAAAGTAGCGCAGGTTCAGGATGTAATGGCACAGG[C>G]GGCGAAGGCTGTTGGAGACAGATGGGCGTGCAGAGGTCCACTCAGACCACAGGCTCACAA-3'
Protein context (NP_001120694.1, residues 1224-1244): FILSTTNPLR[Arg1234Pro]LCHYILNLRY

ClinVar aggregate classification (germline): Uncertain significance (1 of 4 stars; one submission).

Conditions:
Developmental and epileptic encephalopathy, 42 (DEE42A). Also called: Epileptic encephalopathy, early infantile, 42; DEVELOPMENTAL AND EPILEPTIC ENCEPHALOPATHY 42A; EPILEPTIC ENCEPHALOPATHY, EARLY INFANTILE, 42A. Identifiers: MedGen C4310716, MONDO:0014917, OMIM 617106.
Episodic ataxia type 2 (EA2). Also called: CEREBELLAR ATAXIA, PAROXYSMAL, ACETAZOLAMIDE-RESPONSIVE; CEREBELLOPATHY, HEREDITARY PAROXYSMAL; EPISODIC ATAXIA, NYSTAGMUS-ASSOCIATED; ATAXIA, EPISODIC, WITH NYSTAGMUS; ATAXIA, FAMILIAL PAROXYSMAL; ACETAZOLAMIDE-RESPONSIVE HEREDITARY PAROXYSMAL CEREBELLAR ATAXIA. Identifiers: Orphanet 97, MedGen C1720416, MONDO:0007163, OMIM 108500.

gnomAD v4.1: 1 of 1,613,884 alleles (0.000062%); highest among the groups gnomAD compares: Non-Finnish European, 0.000085%; no homozygotes.

Submission:

Labcorp Genetics (formerly Invitae), Labcorp
Classification: Uncertain significance for Developmental and epileptic encephalopathy, 42; Episodic ataxia type 2. Last evaluated: 2022-08-23. Review status: criteria provided, single submitter. Criteria: Invitae Variant Classification Sherloc (09022015). Collection method: clinical testing. Allele origin: germline.
Comment: This sequence change replaces arginine, which is basic and polar, with proline, which is neutral and non-polar, at codon 1235 of the CACNA1A protein (p.Arg1235Pro). This variant is not present in population databases (gnomAD no frequency). This variant has not been reported in the literature in individuals affected with CACNA1A-related conditions. ClinVar contains an entry for this variant (Variation ID: 651272). Advanced modeling of protein sequence and biophysical properties (such as structural, functional, and spatial information, amino acid conservation, physicochemical variation, residue mobility, and thermodynamic stability) performed at Invitae indicates that this missense variant is not expected to disrupt CACNA1A protein function. In summary, the available evidence is currently insufficient to determine the role of this variant in disease. Therefore, it has been classified as a Variant of Uncertain Significance.